The following is an entry in ClinVar:

ClinVar aggregate classification (germline): Pathogenic (1 of 4 stars; one submission).

Submission:

Labcorp Genetics (formerly Invitae), Labcorp
Classification: Pathogenic. Last evaluated: 2024-09-02. Review status: criteria provided, single submitter. Criteria: Invitae Variant Classification Sherloc (09022015). Collection method: clinical testing. Allele origin: germline.
Comment: This sequence change creates a premature translational stop signal (p.Ser359Profs*6) in the ILDR1 gene. It is expected to result in an absent or disrupted protein product. Loss-of-function variants in ILDR1 are known to be pathogenic (PMID: 21255762). This variant is not present in population databases (gnomAD no frequency). This variant has not been reported in the literature in individuals affected with ILDR1-related conditions. For these reasons, this variant has been classified as Pathogenic.

Literature cited by the submitters: PubMed 21255762.

NM_001199799.2(ILDR1):c.1074del (p.Ser359fs)

Gene: ILDR1 (immunoglobulin like domain containing receptor 1; minus strand). Cytogenetic location: 3q13.33.
Variant type: Deletion.
Coding change: c.1074del on transcript NM_001199799.2 (MANE Select); coding-DNA position 1074, one base deleted (C; older notation c.1074delC).
Protein change: p.Ser359fs; shifts the reading frame from serine 359.
Molecular consequence: frameshift variant.
Genome position (GRCh38, 1-based): chr3:121,993,675, G deleted on the plus strand (C on the coding strand, the reverse complement: ILDR1 is on the minus strand); the first of 3 consecutive G bases (chr3:121,993,675-121,993,677); deleting any one gives the same sequence. VCF-style (leftmost placement, unchanged base first): chr3-121993674-AG-A. GRCh37 (hg19) VCF-style: chr3-121712521-AG-A.
Other names: c.807del, p.Ser270fs (NM_001199800.2); c.942del, p.Ser315fs (NM_175924.4); short protein forms S359fs, S315fs, S270fs.
Identifiers: ClinVar variation 3664288 (VCV003664288.2).